The following is an entry in ClinVar:

NM_020812.4(DOCK6):c.5735A>C (p.Lys1912Thr)

Gene: DOCK6 (dedicator of cytokinesis 6; minus strand). Cytogenetic location: 19p13.2.
Variant type: single nucleotide variant.
Coding change: c.5735A>C on transcript NM_020812.4 (MANE Select); coding-DNA position 5735, A replaced by C.
Protein change: p.Lys1912Thr; replaces lysine 1912 with threonine.
Molecular consequence: missense variant.
Genome position (GRCh38, 1-based): chr19:11,201,006, T>G on the plus strand (A>C on the coding strand, the complement: DOCK6 is on the minus strand). VCF-style: chr19-11201006-T-G. GRCh37 (hg19) VCF-style: chr19-11311682-T-G.
Other names: c.5840A>C, p.Lys1947Thr (NM_001367830.1); short protein forms K1947T, K1912T.
Identifiers: ClinVar variation 3504513 (VCV003504513.2).

ClinVar aggregate classification (germline): Uncertain significance. Review status: criteria provided, multiple submitters, no conflicts (2 of 4 stars). 2 submissions from 2 submitters: Uncertain significance (2). Last evaluated 2025-10-22.

Conditions:
Inborn genetic diseases. Identifiers: MedGen C0950123, MeSH D030342.

gnomAD v4.1: 31 of 1,613,806 alleles (0.0019%); highest among the groups gnomAD compares: Middle Eastern, 0.016%; no homozygotes.

Submissions (2):

Labcorp Genetics (formerly Invitae), Labcorp
Classification: Uncertain significance. Last evaluated: 2025-10-22. Review status: criteria provided, single submitter. Criteria: Invitae Variant Classification Sherloc (09022015). Collection method: clinical testing. Allele origin: germline.
Comment: This sequence change replaces lysine, which is basic and polar, with threonine, which is neutral and polar, at codon 1912 of the DOCK6 protein (p.Lys1912Thr). This variant is present in population databases (rs772984353, gnomAD 0.01%). This variant has not been reported in the literature in individuals affected with DOCK6-related conditions. ClinVar contains an entry for this variant (Variation ID: 3504513). Invitae Evidence Modeling of protein sequence and biophysical properties (such as structural, functional, and spatial information, amino acid conservation, physicochemical variation, residue mobility, and thermodynamic stability) indicates that this missense variant is expected to disrupt DOCK6 protein function with a positive predictive value of 80%. In summary, the available evidence is currently insufficient to determine the role of this variant in disease. Therefore, it has been classified as a Variant of Uncertain Significance.

Ambry Genetics
Classification: Uncertain significance for Inborn genetic diseases. Last evaluated: 2024-09-26. Review status: criteria provided, single submitter. Criteria: Ambry Variant Classification Scheme 2023. Collection method: clinical testing. Allele origin: germline.